The following is an entry in ClinVar:

ClinVar aggregate classification (germline): Conflicting classifications of pathogenicity. Review status: criteria provided, conflicting classifications (1 of 4 stars). 3 submissions from 3 submitters: Uncertain significance (1); Likely benign (2). Last evaluated 2023-04-07.

Conditions:
Cardiomyopathy (CMYO). Also called: Cardiomyopathies. Identifiers: Orphanet 167848, MedGen C0878544, MONDO:0004994, HP:0001638. Inheritance: Various modes of inheritance.
Arrhythmogenic right ventricular dysplasia 11. Also called: ARRHYTHMOGENIC RIGHT VENTRICULAR DYSPLASIA, FAMILIAL, 11; Arrhythmogenic right ventricular dysplasia 11 with mild palmoplantar keratoderma and woolly hair; Arrhythmogenic Right Ventricular Dysplasia/Cardiomyopathy11. Identifiers: MedGen C1864850, MONDO:0012506, OMIM 610476.

Allele frequency attached by ClinVar (database versions not stated): gnomAD exomes 0.00002 and 0.00001; ExAC 0.00001; gnomAD 0.00001 and 0.00002; TOPMed 0.00001.
gnomAD v4.1: 25 of 1,612,720 alleles (0.0016%); highest among the groups gnomAD compares: African/African-American, 0.0027%; no homozygotes.

Submissions (3):

Labcorp Genetics (formerly Invitae), Labcorp
Classification: Likely benign for Arrhythmogenic right ventricular dysplasia 11. Last evaluated: 2023-04-07. Review status: criteria provided, single submitter. Criteria: Invitae Variant Classification Sherloc (09022015). Collection method: clinical testing. Allele origin: germline.

Color Diagnostics, LLC DBA Color Health
Classification: Likely benign for Cardiomyopathy. Last evaluated: 2018-11-11. Review status: criteria provided, single submitter. Criteria: ACMG Guidelines, 2015. Collection method: clinical testing. Allele origin: germline.

Laboratory for Molecular Medicine, Mass General Brigham Personalized Medicine
Classification: Uncertain significance. Last evaluated: 2015-02-02. Review status: criteria provided, single submitter. Criteria: LMM Criteria. Collection method: clinical testing. Allele origin: germline. Observed: 2 variant alleles.
Comment: This variant has also been identified in 1/66594 European chro mosomes by the Exome Aggregation Consortium (ExAC, g; dbSNP rs397517392). The c.1521-5A>G variant is located in the 3' splice regio n. Computational tools do not suggest an impact to splicing. However, this infor mation is not predictive enough to rule out pathogenicity. In summary, the clini cal significance of the c.1521-5A>G variant is uncertain.

Literature cited by the submitters: PubMed 18957847 (cited by Laboratory for Molecular Medicine, Mass General Brigham Personalized Medicine).

NM_024422.6(DSC2):c.1521-5A>G

Gene: DSC2 (desmocollin 2; minus strand). Cytogenetic location: 18q12.1.
Variant type: single nucleotide variant.
Coding change: c.1521-5A>G on transcript NM_024422.6 (MANE Select); 5 bases into the intron before coding-DNA position 1521, A replaced by G.
Molecular consequence: intron variant.
Genome position (GRCh38, 1-based): chr18:31,079,994, T>C on the plus strand (A>G on the coding strand, the complement: DSC2 is on the minus strand). VCF-style: chr18-31079994-T-C. GRCh37 (hg19) VCF-style: chr18-28659960-T-C.
Other names: c.1521-5A>G (NM_004949.5).
Identifiers: ClinVar variation 46167 (VCV000046167.13), dbSNP rs397517392, ClinGen allele CA022488.